The following is an entry in ClinVar:

NM_182643.3(DLC1):c.3242C>T (p.Thr1081Met)

Gene: DLC1 (DLC1 Rho GTPase activating protein; minus strand). Cytogenetic location: 8p22.
Variant type: single nucleotide variant.
Coding change: c.3242C>T on transcript NM_182643.3 (MANE Select); coding-DNA position 3242, C replaced by T.
Protein change: p.Thr1081Met; replaces threonine 1081 with methionine.
Molecular consequence: missense variant.
Genome position (GRCh38, 1-based): chr8:13,095,171, G>A on the plus strand (C>T on the coding strand, the complement: DLC1 is on the minus strand). VCF-style: chr8-13095171-G-A. GRCh37 (hg19) VCF-style: chr8-12952680-G-A.
Other names: c.1709C>T, p.Thr570Met (NM_001164271.2, NM_001348082.2, NM_001348083.1 and 6 more transcripts); c.2033C>T, p.Thr678Met (NM_001316668.2, NM_001413129.1); c.3242C>T, p.Thr1081Met (NM_001348081.2, NM_001413124.1); c.1682C>T, p.Thr561Met (NM_001413137.1, NM_001413131.1); c.1931C>T, p.Thr644Met (NM_001413139.1, NM_006094.5, NM_001413135.1 and 1 more transcripts); c.2066C>T, p.Thr689Met (NM_001413140.1); c.2024C>T, p.Thr675Met (NM_001413130.1); c.2168C>T, p.Thr723Met (NM_001413132.1); short protein forms T561M, T678M, T689M, T570M, T644M, T723M, T1081M, T675M.
Identifiers: ClinVar variation 2403450 (VCV002403450.27), dbSNP rs752787691, ClinGen allele CA4638411.

ClinVar aggregate classification (germline): Conflicting classifications of pathogenicity. Review status: criteria provided, conflicting classifications (1 of 4 stars). 3 submissions from 3 submitters: Uncertain significance (2); Likely benign (1). Last evaluated 2025-09-22.

Allele frequency attached by ClinVar (database versions not stated): ExAC 0.00005; gnomAD 0.00005; gnomAD exomes 0.00005; TOPMed 0.00006.
gnomAD v4.1: 84 of 1,614,110 alleles (0.0052%); highest among the groups gnomAD compares: South Asian, 0.014%; no homozygotes.

Submissions (3):

Labcorp Genetics (formerly Invitae), Labcorp
Classification: Uncertain significance. Last evaluated: 2025-09-22. Review status: criteria provided, single submitter. Criteria: Invitae Variant Classification Sherloc (09022015). Collection method: clinical testing. Allele origin: germline.
Comment: This sequence change replaces threonine, which is neutral and polar, with methionine, which is neutral and non-polar, at codon 1081 of the DLC1 protein (p.Thr1081Met). This variant is present in population databases (rs752787691, gnomAD 0.01%). This variant has not been reported in the literature in individuals affected with DLC1-related conditions. ClinVar contains an entry for this variant (Variation ID: 2403450). An algorithm developed to predict the effect of missense changes on protein structure and function (PolyPhen-2) suggests that this variant is likely to be tolerated. In summary, the available evidence is currently insufficient to determine the role of this variant in disease. Therefore, it has been classified as a Variant of Uncertain Significance.

Ambry Genetics
Classification: Uncertain significance. Last evaluated: 2022-09-27. Review status: criteria provided, single submitter. Criteria: Ambry Variant Classification Scheme 2023. Collection method: clinical testing. Allele origin: germline.

CeGaT Center for Human Genetics Tuebingen
Classification: Likely benign. Last evaluated: 2022-03-01. Review status: criteria provided, single submitter. Criteria: CeGaT Center For Human Genetics Tuebingen Variant Classification Criteria Version 2. Collection method: clinical testing. Allele origin: germline. Affected: yes. Observed: 1 variant allele.
Comment: DLC1: BP4, BS1:Supporting